The following is an entry in ClinVar:

NM_018896.5(CACNA1G):c.2109C>A (p.Ser703Arg)

Gene: CACNA1G (calcium voltage-gated channel subunit alpha1 G; plus strand). Cytogenetic location: 17q21.33.
Variant type: single nucleotide variant.
Coding change: c.2109C>A on transcript NM_018896.5 (MANE Select); coding-DNA position 2109, C replaced by A.
Protein change: p.Ser703Arg; replaces serine 703 with arginine.
Molecular consequence: missense variant. On other transcripts: non-coding transcript variant (5).
Genome position (GRCh38, 1-based): chr17:50,578,372, C>A. VCF-style: chr17-50578372-C-A. GRCh37 (hg19) VCF-style: chr17-48655733-C-A.
Other names: c.2109C>A, p.Ser703Arg (NM_001256324.2, NM_001256325.2, NM_001256326.2 and 24 more transcripts); short protein forms S703R.
Identifiers: ClinVar variation 4076727 (VCV004076727.1).

ClinVar aggregate classification (germline): Uncertain significance (1 of 4 stars; one submission).

gnomAD v4.1: 1 of 1,613,126 alleles (0.000062%); highest among the groups gnomAD compares: African/African-American, 0.0013%; no homozygotes.

Submission:

GeneDx
Classification: Uncertain significance. Last evaluated: 2025-02-21. Review status: criteria provided, single submitter. Criteria: GeneDx Variant Classification Process June 2021. Collection method: clinical testing. Allele origin: germline. Affected: yes.
Comment: Not observed at significant frequency in large population cohorts (gnomAD); In silico analysis indicates that this missense variant does not alter protein structure/function; Has not been previously published as pathogenic or benign to our knowledge